The following is an entry in ClinVar:

ClinVar aggregate classification (germline): Uncertain significance (1 of 4 stars; one submission).

Conditions:
Kabuki syndrome. Also called: NIIKAWA-KUROKI SYNDROME; Kabuki make-up syndrome. Identifiers: Orphanet 2322, MedGen C0796004, MONDO:0016512.

Submission:

Labcorp Genetics (formerly Invitae), Labcorp
Classification: Uncertain significance for Kabuki syndrome. Last evaluated: 2023-12-20. Review status: criteria provided, single submitter. Criteria: Invitae Variant Classification Sherloc (09022015). Collection method: clinical testing. Allele origin: germline.
Comment: This sequence change replaces arginine, which is basic and polar, with glycine, which is neutral and non-polar, at codon 4692 of the KMT2D protein (p.Arg4692Gly). This variant is not present in population databases (gnomAD no frequency). This variant has not been reported in the literature in individuals affected with KMT2D-related conditions. This missense change has been observed in at least one individual who was not affected with KMT2D-related conditions (Invitae). Experimental studies and prediction algorithms are not available or were not evaluated, and the functional significance of this variant is currently unknown. Algorithms developed to predict the effect of sequence changes on RNA splicing suggest that this variant may disrupt the consensus splice site. In summary, the available evidence is currently insufficient to determine the role of this variant in disease. Therefore, it has been classified as a Variant of Uncertain Significance.

NM_003482.4(KMT2D):c.14074A>G (p.Arg4692Gly)

Gene: KMT2D (lysine methyltransferase 2D; minus strand). Cytogenetic location: 12q13.12.
Variant type: single nucleotide variant.
Coding change: c.14074A>G on transcript NM_003482.4 (MANE Select); coding-DNA position 14074, A replaced by G.
Protein change: p.Arg4692Gly; replaces arginine 4692 with glycine.
Molecular consequence: missense variant.
Genome position (GRCh38, 1-based): chr12:49,029,402, T>C on the plus strand (A>G on the coding strand, the complement: KMT2D is on the minus strand). VCF-style: chr12-49029402-T-C. GRCh37 (hg19) VCF-style: chr12-49423185-T-C.
Other names: short protein forms R4692G.
Identifiers: ClinVar variation 2761536 (VCV002761536.3), dbSNP rs2498339389, ClinGen allele CA384699316.